The following is an entry in ClinVar:

ClinVar aggregate classification (germline): Uncertain significance. Review status: criteria provided, multiple submitters, no conflicts (2 of 4 stars). 2 submissions from 2 submitters: Uncertain significance (2). Last evaluated 2026-06-17.

Conditions:
Hereditary cancer-predisposing syndrome. Also called: Hereditary neoplastic syndrome; Neoplastic Syndromes, Hereditary; Tumor predisposition; Hereditary Cancer Syndrome. Identifiers: Orphanet 140162, MedGen C0027672, MeSH D009386, MONDO:0015356.
Peutz-Jeghers syndrome (PJS). Also called: POLYPOSIS, HAMARTOMATOUS INTESTINAL; POLYPS-AND-SPOTS SYNDROME; Peutz-Jeghers polyposis; Periorificial lentiginosis syndrome. Identifiers: Orphanet 2869, MedGen C0031269, MeSH D010580, MONDO:0008280, OMIM 175200.

Submissions (2):

Ambry Genetics
Classification: Uncertain significance for Hereditary cancer-predisposing syndrome. Last evaluated: 2026-06-17. Review status: criteria provided, single submitter. Criteria: Ambry Variant Classification Scheme 2023. Collection method: clinical testing. Allele origin: germline.
Comment: The p.S334T variant (also known as c.1001G>C), located in coding exon 8 of the STK11 gene, results from a G to C substitution at nucleotide position 1001. The serine at codon 334 is replaced by threonine, an amino acid with similar properties. This amino acid position is not well conserved in available vertebrate species. In addition, this alteration is predicted to be tolerated by in silico analysis. Based on the available evidence, the clinical significance of this variant remains unclear.

Labcorp Genetics (formerly Invitae), Labcorp
Classification: Uncertain significance for Peutz-Jeghers syndrome. Last evaluated: 2022-05-06. Review status: criteria provided, single submitter. Criteria: Invitae Variant Classification Sherloc (09022015). Collection method: clinical testing. Allele origin: germline.
Comment: This sequence change replaces serine, which is neutral and polar, with threonine, which is neutral and polar, at codon 334 of the STK11 protein (p.Ser334Thr). In summary, the available evidence is currently insufficient to determine the role of this variant in disease. Therefore, it has been classified as a Variant of Uncertain Significance. Advanced modeling of protein sequence and biophysical properties (such as structural, functional, and spatial information, amino acid conservation, physicochemical variation, residue mobility, and thermodynamic stability) performed at Invitae indicates that this missense variant is not expected to disrupt STK11 protein function. This variant has not been reported in the literature in individuals affected with STK11-related conditions. This variant is not present in population databases (gnomAD no frequency).

NM_000455.5(STK11):c.1001G>C (p.Ser334Thr)

Genes: STK11 (serine/threonine kinase 11; plus strand), LOC130062899 (ATAC-STARR-seq lymphoblastoid active region 13597; plus strand). Cytogenetic location: 19p13.3.
Variant type: single nucleotide variant.
Coding change: c.1001G>C on transcript NM_000455.5 (MANE Select); coding-DNA position 1001, G replaced by C.
Protein change: p.Ser334Thr; replaces serine 334 with threonine.
Molecular consequence: missense variant.
Genome position (GRCh38, 1-based): chr19:1,223,065, G>C. VCF-style: chr19-1223065-G-C. GRCh37 (hg19) VCF-style: chr19-1223064-G-C.
Other names: c.1001G>C, p.Ser334Thr (NM_001407255.1); short protein forms S334T.
Identifiers: ClinVar variation 1953737 (VCV001953737.6), dbSNP rs1342275430, ClinGen allele CA402951670.